The following is an entry in ClinVar:

ClinVar aggregate classification (germline): Uncertain significance (1 of 4 stars; one submission).

Allele frequency attached by ClinVar (database versions not stated): ESP Exome Variant Server 0.00015; 1000 Genomes Project 30x 0.00031; gnomAD 0.00031; TOPMed 0.00039; 1000 Genomes Project 0.00040.
gnomAD v4.1: 85 of 1,610,664 alleles (0.0053%); highest among the groups gnomAD compares: African/African-American, 0.11%; no homozygotes.

Submission:

Labcorp Genetics (formerly Invitae), Labcorp
Classification: Uncertain significance. Last evaluated: 2024-11-04. Review status: criteria provided, single submitter. Criteria: Invitae Variant Classification Sherloc (09022015). Collection method: clinical testing. Allele origin: germline.
Comment: This sequence change replaces alanine, which is neutral and non-polar, with serine, which is neutral and polar, at codon 143 of the PNLIP protein (p.Ala143Ser). This variant is present in population databases (rs376332523, gnomAD 0.1%). This variant has not been reported in the literature in individuals affected with PNLIP-related conditions. ClinVar contains an entry for this variant (Variation ID: 2045433). Invitae Evidence Modeling of protein sequence and biophysical properties (such as structural, functional, and spatial information, amino acid conservation, physicochemical variation, residue mobility, and thermodynamic stability) indicates that this missense variant is not expected to disrupt PNLIP protein function with a negative predictive value of 80%. In summary, the available evidence is currently insufficient to determine the role of this variant in disease. Therefore, it has been classified as a Variant of Uncertain Significance.

NM_000936.4(PNLIP):c.427G>T (p.Ala143Ser)

Gene: PNLIP (pancreatic lipase; plus strand). Cytogenetic location: 10q25.3.
Variant type: single nucleotide variant.
Coding change: c.427G>T on transcript NM_000936.4 (MANE Select); coding-DNA position 427, G replaced by T.
Protein change: p.Ala143Ser; replaces alanine 143 with serine.
Molecular consequence: missense variant.
Genome position (GRCh38, 1-based): chr10:116,551,200, G>T. VCF-style: chr10-116551200-G-T. GRCh37 (hg19) VCF-style: chr10-118310712-G-T.
Other names: short protein forms A143S.
Identifiers: ClinVar variation 2045433 (VCV002045433.2), dbSNP rs376332523, ClinGen allele CA5706469.